The following is an entry in ClinVar:

ClinVar aggregate classification (germline): Benign. Review status: criteria provided, multiple submitters, no conflicts (2 of 4 stars). 3 submissions from 3 submitters: Benign (2). 1 of the submissions does not count toward it. Last evaluated 2018-05-21.

Conditions:
GCC2-related disorder. Also called: GCC2-related condition.

Allele frequency attached by ClinVar (database versions not stated): gnomAD exomes 0.00167; ExAC 0.00169; ESP Exome Variant Server 0.00392; gnomAD 0.00400 and 0.00412; TOPMed 0.00430; 1000 Genomes Project 30x 0.00671; 1000 Genomes Project 0.00679.
gnomAD v4.1: 1,707 of 1,559,986 alleles (0.11%); highest among the groups gnomAD compares: African/African-American, 1.3%; 10 homozygotes.

Submissions (3):

Labcorp Genetics (formerly Invitae), Labcorp
Classification: Benign. Last evaluated: 2018-05-21. Review status: criteria provided, single submitter. Criteria: Invitae Variant Classification Sherloc (09022015). Collection method: clinical testing. Allele origin: germline.

Breakthrough Genomics
Classification: Benign. Review status: criteria provided, single submitter. Criteria: ACMG Guidelines, 2015. Collection method: not provided. Allele origin: germline. Inheritance: Unknown mechanism. Affected: yes.

PreventionGenetics, part of Exact Sciences
Classification: Benign for GCC2-related condition. Last evaluated: 2019-05-31. Review status: no assertion criteria provided. Collection method: clinical testing. Allele origin: germline. Not counted in ClinVar's aggregate classification.
Comment: This variant is classified as benign based on ACMG/AMP sequence variant interpretation guidelines (Richards et al. 2015 PMID: 25741868, with internal and published modifications).

NM_181453.4(GCC2):c.3359C>G (p.Thr1120Ser)

Gene: GCC2 (GRIP and coiled-coil domain containing 2; plus strand). Cytogenetic location: 2q12.3.
Variant type: single nucleotide variant.
Coding change: c.3359C>G on transcript NM_181453.4 (MANE Select); coding-DNA position 3359, C replaced by G.
Protein change: p.Thr1120Ser; replaces threonine 1120 with serine.
Molecular consequence: missense variant. On other transcripts: non-coding transcript variant (1).
Genome position (GRCh38, 1-based): chr2:108,483,075, C>G. VCF-style: chr2-108483075-C-G. GRCh37 (hg19) VCF-style: chr2-109099531-C-G.
Other names: short protein forms T1120S.
Identifiers: ClinVar variation 716758 (VCV000716758.6), dbSNP rs112971525, ClinGen allele CA1820957.